The following is an entry in ClinVar:

ClinVar aggregate classification (germline): Uncertain significance. Review status: criteria provided, multiple submitters, no conflicts (2 of 4 stars). 2 submissions from 2 submitters: Uncertain significance (2). Last evaluated 2026-05-06.

Conditions:
Hereditary cancer-predisposing syndrome. Also called: Tumor predisposition; Neoplastic Syndromes, Hereditary; Hereditary neoplastic syndrome; Hereditary Cancer Syndrome. Identifiers: Orphanet 140162, MedGen C0027672, MeSH D009386, MONDO:0015356.
Familial cancer of breast. Also called: Hereditary breast cancer; hereditary breast carcinoma; BREAST CANCER, FAMILIAL. Identifiers: Orphanet 227535, MedGen C0346153, MONDO:0016419, OMIM 114480. Disease mechanism: loss of function.

Submissions (2):

Ambry Genetics
Classification: Uncertain significance for Hereditary cancer-predisposing syndrome. Last evaluated: 2026-05-06. Review status: criteria provided, single submitter. Criteria: Ambry Variant Classification Scheme 2023. Collection method: clinical testing. Allele origin: germline.
Comment: The c.686_688delGTG variant (also known as p.G229del) is located in coding exon 5 of the CHEK2 gene. This variant results from an in-frame GTG deletion at nucleotide positions 686 to 688. This results in the in-frame deletion of a glycine at codon 229. This amino acid position is highly conserved in available vertebrate species. In addition, this variant is predicted to be deleterious/neutral by in silico analysis (Choi Y et al. PLoS ONE. 2012; 7(10):e46688). Based on the available evidence, the clinical significance of this variant remains unclear.

Labcorp Genetics (formerly Invitae), Labcorp
Classification: Uncertain significance for Familial cancer of breast. Last evaluated: 2019-11-06. Review status: criteria provided, single submitter. Criteria: Invitae Variant Classification Sherloc (09022015). Collection method: clinical testing. Allele origin: germline.
Comment: This variant, c.686_688del, results in the deletion of 1 amino acid(s) of the CHEK2 protein (p.Gly229del), but otherwise preserves the integrity of the reading frame. This variant is not present in population databases (ExAC no frequency). In summary, the available evidence is currently insufficient to determine the role of this variant in disease. Therefore, it has been classified as a Variant of Uncertain Significance. Experimental studies and prediction algorithms are not available or were not evaluated, and the functional significance of this variant is currently unknown. This variant has not been reported in the literature in individuals with CHEK2-related conditions.

NM_007194.3(CHEK2):c.686_688delGTG

Gene: CHEK2 (checkpoint kinase 2; minus strand). Cytogenetic location: 22q12.1.
Variant type: Microsatellite.
Coding change: c.686_688delGTG on transcript NM_007194.3; coding-DNA positions 686 to 688, 3 bases deleted (GTG).
Genome position (GRCh38, 1-based): chr22:28,712,013-28,712,015, CAC deleted on the plus strand (GTG on the coding strand, the reverse complement: CHEK2 is on the minus strand); deleting any 3 consecutive bases within chr22:28,712,013-28,712,018 gives the same sequence; the c. name uses the placement nearest the transcript's 3' end. VCF-style (leftmost placement, unchanged base first): chr22-28712012-GCAC-G. GRCh37 (hg19) VCF-style: chr22-29108000-GCAC-G.
Identifiers: ClinVar variation 966987 (VCV000966987.12), dbSNP rs2053418933, ClinGen allele CA1139666368.